The following is an entry in ClinVar:

ClinVar aggregate classification (germline): Uncertain significance (1 of 4 stars; one submission).

Conditions:
Neuronopathy, distal hereditary motor, type 7A. Also called: NEURONOPATHY, DISTAL HEREDITARY MOTOR, HARDING TYPE VIIA; NEUROPATHY, DISTAL HEREDITARY MOTOR, HARDING TYPE VIIA; Neuronopathy, distal hereditary motor, autosomal dominant 7; HARPER-YOUNG MYOPATHY; HMN VIIA; SPINAL MUSCULAR ATROPHY, DISTAL, WITH VOCAL CORD PARALYSIS. Identifiers: Orphanet 139589, MedGen C1834703, MONDO:0008024, OMIM 158580.
Congenital myasthenic syndrome 20. Also called: Myasthenic syndrome, congenital, 20, presynaptic. Identifiers: MedGen C4310694, MONDO:0014939, OMIM 617143.

Allele frequency attached by ClinVar (database versions not stated): TOPMed 0.00005.
gnomAD v4.1: 12 of 1,612,028 alleles (0.00074%); highest among the groups gnomAD compares: East Asian, 0.0022%; no homozygotes.

Submission:

Labcorp Genetics (formerly Invitae), Labcorp
Classification: Uncertain significance for Neuronopathy, distal hereditary motor, type 7A; Congenital myasthenic syndrome 20. Last evaluated: 2021-06-17. Review status: criteria provided, single submitter. Criteria: Invitae Variant Classification Sherloc (09022015). Collection method: clinical testing. Allele origin: germline.
Comment: This variant is not present in population databases (ExAC no frequency). In summary, the available evidence is currently insufficient to determine the role of this variant in disease. Therefore, it has been classified as a Variant of Uncertain Significance. Algorithms developed to predict the effect of missense changes on protein structure and function (SIFT, PolyPhen-2, Align-GVGD) all suggest that this variant is likely to be tolerated, but these predictions have not been confirmed by published functional studies and their clinical significance is uncertain. This variant has not been reported in the literature in individuals with SLC5A7-related conditions. This sequence change replaces alanine with glycine at codon 562 of the SLC5A7 protein (p.Ala562Gly). The alanine residue is moderately conserved and there is a small physicochemical difference between alanine and glycine.

NM_021815.5(SLC5A7):c.1685C>G (p.Ala562Gly)

Gene: SLC5A7 (solute carrier family 5 member 7; plus strand). Cytogenetic location: 2q12.3.
Variant type: single nucleotide variant.
Coding change: c.1685C>G on transcript NM_021815.5 (MANE Select); coding-DNA position 1685, C replaced by G.
Protein change: p.Ala562Gly; replaces alanine 562 with glycine.
Molecular consequence: missense variant.
Genome position (GRCh38, 1-based): chr2:108,010,803, C>G. VCF-style: chr2-108010803-C-G. GRCh37 (hg19) VCF-style: chr2-108627259-C-G.
Other names: c.1685C>G, p.Ala562Gly (NM_001305005.3); c.1370C>G, p.Ala457Gly (NM_001305006.3); c.944C>G, p.Ala315Gly (NM_001305007.3); short protein forms A457G, A315G, A562G.
Identifiers: ClinVar variation 948023 (VCV000948023.7), dbSNP rs776388070, ClinGen allele CA53969297.